The following is an entry in ClinVar:

NM_001023570.4(IQCB1):c.292_296del (p.Glu98fs)

Gene: IQCB1 (IQ motif containing B1; minus strand). Cytogenetic location: 3q13.33.
Variant type: Deletion.
Coding change: c.292_296del on transcript NM_001023570.4 (MANE Select); coding-DNA positions 292 to 296, 5 bases deleted (GAAGA; older notation c.292_296delGAAGA).
Protein change: p.Glu98fs; shifts the reading frame from glutamic acid 98.
Molecular consequence: frameshift variant. On other transcripts: non-coding transcript variant (1).
Genome position (GRCh38, 1-based): chr3:121,826,148-121,826,152, TCTTC deleted on the plus strand (GAAGA on the coding strand, the reverse complement: IQCB1 is on the minus strand); deleting any 5 consecutive bases within chr3:121,826,148-121,826,154 gives the same sequence; the c. name uses the placement nearest the transcript's 3' end. VCF-style (leftmost placement, unchanged base first): chr3-121826147-ATCTTC-A. GRCh37 (hg19) VCF-style: chr3-121544994-ATCTTC-A.
Other names: c.292_296del, p.Glu98fs (NM_001023571.4, NM_001319107.2); short protein forms E98fs.
Identifiers: ClinVar variation 4713395 (VCV004713395.1).

ClinVar aggregate classification (germline): Pathogenic (1 of 4 stars; one submission).

Conditions:
Nephronophthisis. Also called: Juvenile Nephronophthisis. Identifiers: Orphanet 655, MedGen C0687120, MONDO:0019005, HP:0000090.

Submission:

Labcorp Genetics (formerly Invitae), Labcorp
Classification: Pathogenic for Nephronophthisis. Last evaluated: 2025-02-19. Review status: criteria provided, single submitter. Criteria: Invitae Variant Classification Sherloc (09022015). Collection method: clinical testing. Allele origin: germline.
Comment: This sequence change creates a premature translational stop signal (p.Glu98Cysfs*7) in the IQCB1 gene. It is expected to result in an absent or disrupted protein product. Loss-of-function variants in IQCB1 are known to be pathogenic (PMID: 15723066, 21901789, 23559409, 28041643). This variant is not present in population databases (gnomAD no frequency). This variant has not been reported in the literature in individuals affected with IQCB1-related conditions. For these reasons, this variant has been classified as Pathogenic.

Literature cited by the submitters: PubMed 15723066; PubMed 21901789; PubMed 23559409; PubMed 28041643.